The following is an entry in ClinVar:

NM_182961.4(SYNE1):c.19572+5T>A

Gene: SYNE1 (spectrin repeat containing nuclear envelope protein 1; minus strand). Cytogenetic location: 6q25.2.
Variant type: single nucleotide variant.
Coding change: c.19572+5T>A on transcript NM_182961.4 (MANE Select); 5 bases into the intron after coding-DNA position 19572, T replaced by A.
Molecular consequence: intron variant.
Genome position (GRCh38, 1-based): chr6:152,249,156, A>T on the plus strand (T>A on the coding strand, the complement: SYNE1 is on the minus strand). VCF-style: chr6-152249156-A-T. GRCh37 (hg19) VCF-style: chr6-152570291-A-T.
Other names: c.19359+5T>A (NM_033071.5).
Identifiers: ClinVar variation 4787362 (VCV004787362.1).
Genomic context (GRCh38, chr6:152,249,156, plus strand): 5'-AATTTCATAGTAAGTCATATCTCCTCTATGCATTTTCTCTTCTAGGAAAAGGCAGCTATA[A>T]ATACCTCTATTTGTTCTGCTACGGGCTGTTCAAACACATTTGCCAGTTTTTGCAGAATGA-3'

ClinVar aggregate classification (germline): Uncertain significance (1 of 4 stars; one submission).

Conditions:
Autosomal recessive ataxia, Beauce type. Also called: SYNE1-Related Autosomal Recessive Cerebellar Ataxia; Spinocerebellar ataxia, autosomal recessive 8; ATAXIA, RECESSIVE, OF BEAUCE; SYNE1 Deficiency. Identifiers: Orphanet 88644, MedGen C1853116, MONDO:0012549, OMIM 610743.
Emery-Dreifuss muscular dystrophy 4, autosomal dominant (EDMD4). Also called: EMERY-DREIFUSS MUSCULAR DYSTROPHY 4 WITH VARIABLE FEATURES. Identifiers: Orphanet 261, MedGen C2751807, MONDO:0013071, OMIM 612998.

gnomAD v4.1: 2 of 1,597,368 alleles (0.00013%); highest among the groups gnomAD compares: Non-Finnish European, 0.00017%; no homozygotes.

Submission:

Labcorp Genetics (formerly Invitae), Labcorp
Classification: Uncertain significance for Emery-Dreifuss muscular dystrophy 4, autosomal dominant; Autosomal recessive ataxia, Beauce type. Last evaluated: 2026-01-06. Review status: criteria provided, single submitter. Criteria: Invitae Variant Classification Sherloc (09022015). Collection method: clinical testing. Allele origin: germline.
Comment: This sequence change falls in intron 104 of the SYNE1 gene. It does not directly change the encoded amino acid sequence of the SYNE1 protein. It affects a nucleotide within the consensus splice site. This variant is not present in population databases (gnomAD no frequency). This variant has not been reported in the literature in individuals affected with SYNE1-related conditions. Variants that disrupt the consensus splice site are a relatively common cause of aberrant splicing (PMID: 17576681, 9536098). Algorithms developed to predict the effect of sequence changes on RNA splicing suggest that this variant is not likely to affect RNA splicing. In summary, the available evidence is currently insufficient to determine the role of this variant in disease. Therefore, it has been classified as a Variant of Uncertain Significance.

Literature cited by the submitters: PubMed 17576681; PubMed 9536098.